The following is an entry in ClinVar:

NM_000297.4(PKD2):c.305A>T (p.Glu102Val)

Genes: PKD2 (polycystin 2, transient receptor potential cation channel; plus strand), LOC129992813 (ATAC-STARR-seq lymphoblastoid silent region 15559; plus strand). Cytogenetic location: 4q22.1.
Variant type: single nucleotide variant.
Coding change: c.305A>T on transcript NM_000297.4 (MANE Select); coding-DNA position 305, A replaced by T.
Protein change: p.Glu102Val; replaces glutamic acid 102 with valine.
Molecular consequence: missense variant. On other transcripts: non-coding transcript variant (1).
Genome position (GRCh38, 1-based): chr4:88,008,038, A>T. VCF-style: chr4-88008038-A-T. GRCh37 (hg19) VCF-style: chr4-88929190-A-T.
Other names: c.305A>T (NM_000297.3); short protein forms E102V.
Identifiers: ClinVar variation 3710037 (VCV003710037.3).
Genomic context (GRCh38, chr4:88,008,038, plus strand): 5'-GCTCCCGGCAGGCGTGGAGCCGCGATAACCCCGGCTTCGAGGCCGAGGAGGAGGAGGAGG[A>T]GGTGGAAGGGGAAGAAGGCGGAATGGTGGTGGAGATGGACGTAGAGTGGCGCCCGGGCAG-3'
Protein context (NP_000288.1, residues 92-112): PGFEAEEEEE[Glu102Val]VEGEEGGMVV

ClinVar aggregate classification (germline): Uncertain significance. Review status: criteria provided, multiple submitters, no conflicts (2 of 4 stars). 2 submissions from 2 submitters: Uncertain significance (2). Last evaluated 2026-02-16.

Conditions:
PKD2-related disorder. Also called: PKD2-related condition.
Autosomal dominant polycystic kidney disease. Identifiers: Orphanet 730, MedGen C0085413, MONDO:0004691.

Submissions (2):

PreventionGenetics, part of Exact Sciences
Classification: Uncertain significance for PKD2-related condition. Last evaluated: 2026-02-16. Review status: criteria provided, single submitter. Criteria: ACMG Guidelines, 2015. Collection method: clinical testing. Allele origin: germline.
Comment: The PKD2 c.305A>T variant is predicted to result in the amino acid substitution p.Glu102Val. To our knowledge, this variant has not been reported in the literature. This variant is reported in 0.022% of alleles in individuals of East Asian descent in gnomAD. Although we suspect that this variant may be benign, at this time, the clinical significance of this variant is uncertain due to the absence of conclusive functional and genetic evidence.

Labcorp Genetics (formerly Invitae), Labcorp
Classification: Uncertain significance for Autosomal dominant polycystic kidney disease. Last evaluated: 2024-03-14. Review status: criteria provided, single submitter. Criteria: Invitae Variant Classification Sherloc (09022015). Collection method: clinical testing. Allele origin: germline.
Comment: This sequence change replaces glutamic acid, which is acidic and polar, with valine, which is neutral and non-polar, at codon 102 of the PKD2 protein (p.Glu102Val). The frequency data for this variant in the population databases is considered unreliable, as metrics indicate poor data quality at this position in the gnomAD database. This variant has not been reported in the literature in individuals affected with PKD2-related conditions. An algorithm developed to predict the effect of missense changes on protein structure and function (PolyPhen-2) suggests that this variant is likely to be disruptive. In summary, the available evidence is currently insufficient to determine the role of this variant in disease. Therefore, it has been classified as a Variant of Uncertain Significance.